The following is an entry in ClinVar:

NM_000295.5(SERPINA1):c.78T>G (p.Asp26Glu)

Gene: SERPINA1 (serpin family A member 1; minus strand). Cytogenetic location: 14q32.13.
Variant type: single nucleotide variant.
Coding change: c.78T>G on transcript NM_000295.5 (MANE Select); coding-DNA position 78, T replaced by G.
Protein change: p.Asp26Glu; replaces aspartic acid 26 with glutamic acid.
Molecular consequence: missense variant.
Genome position (GRCh38, 1-based): chr14:94,383,160, A>C on the plus strand (T>G on the coding strand, the complement: SERPINA1 is on the minus strand). VCF-style: chr14-94383160-A-C. GRCh37 (hg19) VCF-style: chr14-94849497-A-C.
Other names: c.78T>G, p.Asp26Glu (NM_001002235.3, NM_001002236.3, NM_001127700.2 and 7 more transcripts); short protein forms D26E.
Identifiers: ClinVar variation 4802025 (VCV004802025.1).

ClinVar aggregate classification (germline): Uncertain significance (1 of 4 stars; one submission).

Conditions:
Alpha-1-antitrypsin deficiency (A1ATD). Also called: AAT deficiency; A1AT deficiency; Alpha1-Antitrypsin Deficiency. Identifiers: Orphanet 60, MedGen C0221757, MONDO:0013282, OMIM 613490.

Submission:

Labcorp Genetics (formerly Invitae), Labcorp
Classification: Uncertain significance for Alpha-1-antitrypsin deficiency. Last evaluated: 2025-09-10. Review status: criteria provided, single submitter. Criteria: Invitae Variant Classification Sherloc (09022015). Collection method: clinical testing. Allele origin: germline.
Comment: This sequence change replaces aspartic acid, which is acidic and polar, with glutamic acid, which is acidic and polar, at codon 26 of the SERPINA1 protein (p.Asp26Glu). This variant is not present in population databases (gnomAD no frequency). This variant has not been reported in the literature in individuals affected with SERPINA1-related conditions. Invitae Evidence Modeling of protein sequence and biophysical properties (such as structural, functional, and spatial information, amino acid conservation, physicochemical variation, residue mobility, and thermodynamic stability) indicates that this missense variant is not expected to disrupt SERPINA1 protein function with a negative predictive value of 95%. In summary, the available evidence is currently insufficient to determine the role of this variant in disease. Therefore, it has been classified as a Variant of Uncertain Significance.